The following is an entry in ClinVar:

NM_016203.4(PRKAG2):c.1471G>C (p.Asp491His)

Gene: PRKAG2 (protein kinase AMP-activated non-catalytic subunit gamma 2; minus strand). Cytogenetic location: 7q36.1.
Variant type: single nucleotide variant.
Coding change: c.1471G>C on transcript NM_016203.4 (MANE Select); coding-DNA position 1471, G replaced by C.
Protein change: p.Asp491His; replaces aspartic acid 491 with histidine.
Molecular consequence: missense variant.
Genome position (GRCh38, 1-based): chr7:151,564,191, C>G on the plus strand (G>C on the coding strand, the complement: PRKAG2 is on the minus strand). VCF-style: chr7-151564191-C-G. GRCh37 (hg19) VCF-style: chr7-151261277-C-G.
Other names: p.D491H:GAT>CAT; c.1339G>C, p.Asp447His (NM_001040633.2); c.1096G>C, p.Asp366His (NM_001304527.2); c.748G>C, p.Asp250His (NM_001304531.2, NM_024429.2); c.1099G>C, p.Asp367His (NM_001363698.2); short protein forms D491H, D250H, D366H, D367H, D447H.
Identifiers: ClinVar variation 181480 (VCV000181480.7), dbSNP rs730880981, ClinGen allele CA013810.

ClinVar aggregate classification (germline): Uncertain significance. Review status: criteria provided, multiple submitters, no conflicts (2 of 4 stars). 3 submissions from 3 submitters: Uncertain significance (3). Last evaluated 2025-04-09.

Conditions:
Cardiovascular phenotype. Identifiers: MedGen CN230736.
Lethal congenital glycogen storage disease of heart. Also called: GLYCOGEN STORAGE DISEASE OF HEART; PHOSPHORYLASE KINASE DEFICIENCY OF HEART. Identifiers: Orphanet 439854, MedGen C1849813, MONDO:0009867, OMIM 261740.

Submissions (3):

Molecular Diagnostic Laboratory for Inherited Cardiovascular Disease, Montreal Heart Institute
Classification: Uncertain significance for Cardiovascular phenotype. Last evaluated: 2025-04-09. Review status: criteria provided, single submitter. Criteria: ACMG Guidelines, 2015. Collection method: clinical testing. Allele origin: germline. Affected: yes.
Comment: PM1, PM2, PP3

Labcorp Genetics (formerly Invitae), Labcorp
Classification: Uncertain significance for Lethal congenital glycogen storage disease of heart. Last evaluated: 2022-03-17. Review status: criteria provided, single submitter. Criteria: Invitae Variant Classification Sherloc (09022015). Collection method: clinical testing. Allele origin: germline.
Comment: This variant is not present in population databases (gnomAD no frequency). In summary, the available evidence is currently insufficient to determine the role of this variant in disease. Therefore, it has been classified as a Variant of Uncertain Significance. Advanced modeling of protein sequence and biophysical properties (such as structural, functional, and spatial information, amino acid conservation, physicochemical variation, residue mobility, and thermodynamic stability) performed at Invitae indicates that this missense variant is expected to disrupt PRKAG2 protein function. ClinVar contains an entry for this variant (Variation ID: 181480). This variant has not been reported in the literature in individuals affected with PRKAG2-related conditions. This sequence change replaces aspartic acid, which is acidic and polar, with histidine, which is basic and polar, at codon 491 of the PRKAG2 protein (p.Asp491His).

GeneDx
Classification: Uncertain significance. Last evaluated: 2017-10-30. Review status: criteria provided, single submitter. Criteria: GeneDx Variant Classification (06012015). Collection method: clinical testing. Allele origin: germline. Affected: yes.
Comment: The D491H variant of uncertain significance in the PRKAG2 gene has not been published as a pathogenic variant, nor has it been reported as a benign variant to our knowledge. This variant was not observed in large population cohorts (Lek et al., 2016), indicating it is not a common benign variant. The D491H variant is a non-conservative amino acid substitution, which is likely to impact secondary protein structure as these residues differ in polarity, charge, size and/or other properties. In addition, this substitution occurs at a position that is conserved across species, and in silico analysis predicts this variant is probably damaging to the protein structure/function. Thus, this variant lacks observation in a significant number of affected individuals, segregation data, and functional evidence, which would further clarify its pathogenicity. Therefore, based on the currently available information, it is unclear whether the D491H variant in the PRKAG2 gene is pathogenic or rare benign.